The following is an entry in ClinVar:

NM_000376.3(VDR):c.1257C>T (p.Leu419=)

Gene: VDR (vitamin D receptor; minus strand). Cytogenetic location: 12q13.11.
Variant type: single nucleotide variant.
Coding change: c.1257C>T on transcript NM_000376.3 (MANE Select); coding-DNA position 1257, C replaced by T.
Protein change: p.Leu419=; no amino-acid change (leucine 419 retained).
Molecular consequence: synonymous variant.
Genome position (GRCh38, 1-based): chr12:47,844,773, G>A on the plus strand (C>T on the coding strand, the complement: VDR is on the minus strand). VCF-style: chr12-47844773-G-A. GRCh37 (hg19) VCF-style: chr12-48238556-G-A.
Other names: c.1257C>T, p.Leu419= (NM_001017535.2, NM_001364085.2, NM_001374661.1 and 1 more transcripts); c.1407C>T, p.Leu469= (NM_001017536.2); c.1257C>T (NM_001017535.1).
Identifiers: ClinVar variation 2085271 (VCV002085271.5), dbSNP rs550308645, ClinGen allele CA6533717.

ClinVar aggregate classification (germline): Likely benign. Review status: criteria provided, multiple submitters, no conflicts (2 of 4 stars). 2 submissions from 2 submitters: Likely benign (2). Last evaluated 2026-09-04.

Conditions:
VDR-related disorder. Also called: VDR-related condition.

Allele frequency attached by ClinVar (database versions not stated): ExAC 0.00013; 1000 Genomes Project 30x 0.00016; TOPMed 0.00017; 1000 Genomes Project 0.00020; gnomAD 0.00021.
gnomAD v4.1: 113 of 1,614,068 alleles (0.007%); highest among the groups gnomAD compares: African/African-American, 0.036%; no homozygotes.

Submissions (2):

PreventionGenetics, part of Exact Sciences
Classification: Likely benign for VDR-related condition. Last evaluated: 2026-09-04. Review status: criteria provided, single submitter. Criteria: ACMG Guidelines, 2015. Collection method: clinical testing. Allele origin: germline.
Comment: This variant is classified as likely benign based on ACMG/AMP sequence variant interpretation guidelines (Richards et al. 2015 PMID: 25741868, with internal and published modifications).

Labcorp Genetics (formerly Invitae), Labcorp
Classification: Likely benign. Last evaluated: 2026-01-31. Review status: criteria provided, single submitter. Criteria: Invitae Variant Classification Sherloc (09022015). Collection method: clinical testing. Allele origin: germline.